The following is an entry in ClinVar:

NM_000228.3(LAMB3):c.1900_1909del (p.Ile634fs)

Gene: LAMB3 (laminin subunit beta 3; minus strand). Cytogenetic location: 1q32.2.
Variant type: Deletion.
Coding change: c.1900_1909del on transcript NM_000228.3 (MANE Select); coding-DNA positions 1900 to 1909, 10 bases deleted (ATCCGAGCAG; older notation c.1900_1909delATCCGAGCAG).
Protein change: p.Ile634fs; shifts the reading frame from isoleucine 634.
Molecular consequence: frameshift variant.
Genome position (GRCh38, 1-based): chr1:209,625,715-209,625,724, CTGCTCGGAT deleted on the plus strand (ATCCGAGCAG on the coding strand, the reverse complement: LAMB3 is on the minus strand); deleting any 10 consecutive bases within chr1:209,625,715-209,625,730 gives the same sequence; the c. name uses the placement nearest the transcript's 3' end. VCF-style (leftmost placement, unchanged base first): chr1-209625714-ACTGCTCGGAT-A. GRCh37 (hg19) VCF-style: chr1-209799059-ACTGCTCGGAT-A.
Other names: c.1900_1909del, p.Ile634fs (NM_001017402.2, NM_001127641.1); short protein forms I634fs.
Identifiers: ClinVar variation 1456607 (VCV001456607.6), dbSNP rs2102420104, ClinGen allele CA2573130650.

ClinVar aggregate classification (germline): Pathogenic (1 of 4 stars; one submission).

Submission:

Labcorp Genetics (formerly Invitae), Labcorp
Classification: Pathogenic. Last evaluated: 2023-04-10. Review status: criteria provided, single submitter. Criteria: Invitae Variant Classification Sherloc (09022015). Collection method: clinical testing. Allele origin: germline.
Comment: Algorithms developed to predict the effect of sequence changes on RNA splicing suggest that this variant may create or strengthen a splice site. For these reasons, this variant has been classified as Pathogenic. This sequence change creates a premature translational stop signal (p.Ile634Phefs*70) in the LAMB3 gene. It is expected to result in an absent or disrupted protein product. Loss-of-function variants in LAMB3 are known to be pathogenic (PMID: 11023379, 16473856). This variant is not present in population databases (gnomAD no frequency). This variant has not been reported in the literature in individuals affected with LAMB3-related conditions. ClinVar contains an entry for this variant (Variation ID: 1456607).

Literature cited by the submitters: PubMed 11023379; PubMed 16473856.